The following is an entry in ClinVar:

ClinVar aggregate classification (germline): Uncertain significance (1 of 4 stars; one submission).

Allele frequency attached by ClinVar (database versions not stated): gnomAD exomes below 0.00001.
gnomAD v4.1: 1 of 1,614,004 alleles (0.000062%); highest among the groups gnomAD compares: Non-Finnish European, 0.000085%; no homozygotes.

Submission:

Labcorp Genetics (formerly Invitae), Labcorp
Classification: Uncertain significance. Last evaluated: 2022-10-27. Review status: criteria provided, single submitter. Criteria: Invitae Variant Classification Sherloc (09022015). Collection method: clinical testing. Allele origin: germline.
Comment: In summary, the available evidence is currently insufficient to determine the role of this variant in disease. Therefore, it has been classified as a Variant of Uncertain Significance. Algorithms developed to predict the effect of missense changes on protein structure and function are either unavailable or do not agree on the potential impact of this missense change (SIFT: "Deleterious"; PolyPhen-2: "Benign"; Align-GVGD: "Class C65"). This variant has not been reported in the literature in individuals affected with VCAN-related conditions. This variant is not present in population databases (gnomAD no frequency). This sequence change replaces serine, which is neutral and polar, with proline, which is neutral and non-polar, at codon 1959 of the VCAN protein (p.Ser1959Pro).

NM_004385.5(VCAN):c.5875T>C (p.Ser1959Pro)

Genes: VCAN (versican; plus strand), VCAN-AS1 (VCAN antisense RNA 1; minus strand). Cytogenetic location: 5q14.3.
Variant type: single nucleotide variant.
Coding change: c.5875T>C on transcript NM_004385.5 (MANE Select); coding-DNA position 5875, T replaced by C.
Protein change: p.Ser1959Pro; replaces serine 1959 with proline.
Molecular consequence: missense variant. On other transcripts: intron variant (2).
Genome position (GRCh38, 1-based): chr5:83,538,878, T>C. VCF-style: chr5-83538878-T-C. GRCh37 (hg19) VCF-style: chr5-82834697-T-C.
Other names: c.2914T>C, p.Ser972Pro (NM_001164097.2); c.4004-6659T>C (NM_001164098.2); c.1043-6659T>C (NM_001126336.3); short protein forms S1959P, S972P.
Identifiers: ClinVar variation 2810151 (VCV002810151.3), dbSNP rs2479110602, ClinGen allele CA360311347.